The following is an entry in ClinVar:

ClinVar aggregate classification (germline): Uncertain significance (1 of 4 stars; one submission).

gnomAD v4.1: 2 of 1,474,588 alleles (0.00014%); highest among the groups gnomAD compares: South Asian, 0.0028%; no homozygotes.

Submission:

GeneDx
Classification: Uncertain significance. Last evaluated: 2026-01-28. Review status: criteria provided, single submitter. Criteria: GeneDx Variant Classification Process June 2021. Collection method: clinical testing. Allele origin: germline.
Comment: Not observed at significant frequency in large population cohorts (gnomAD); In silico analysis suggests that this missense variant does not alter protein structure/function; Has not been previously published as pathogenic or benign to our knowledge

NM_014727.3(KMT2B):c.1304C>T (p.Pro435Leu)

Gene: KMT2B (lysine methyltransferase 2B; plus strand). Cytogenetic location: 19q13.12.
Variant type: single nucleotide variant.
Coding change: c.1304C>T on transcript NM_014727.3 (MANE Select); coding-DNA position 1304, C replaced by T.
Protein change: p.Pro435Leu; replaces proline 435 with leucine.
Molecular consequence: missense variant.
Genome position (GRCh38, 1-based): chr19:35,720,651, C>T. VCF-style: chr19-35720651-C-T. GRCh37 (hg19) VCF-style: chr19-36211553-C-T.
Other names: short protein forms P435L.
Identifiers: ClinVar variation 4975859 (VCV004975859.1).